The following is an entry in ClinVar:

NM_024105.4(ALG12):c.665G>C (p.Gly222Ala)

Gene: ALG12 (ALG12 alpha-1,6-mannosyltransferase; minus strand). Cytogenetic location: 22q13.33.
Variant type: single nucleotide variant.
Coding change: c.665G>C on transcript NM_024105.4 (MANE Select); coding-DNA position 665, G replaced by C.
Protein change: p.Gly222Ala; replaces glycine 222 with alanine.
Molecular consequence: missense variant.
Genome position (GRCh38, 1-based): chr22:49,909,347, C>G on the plus strand (G>C on the coding strand, the complement: ALG12 is on the minus strand). VCF-style: chr22-49909347-C-G. GRCh37 (hg19) VCF-style: chr22-50302995-C-G.
Other names: short protein forms G222A.
Identifiers: ClinVar variation 798182 (VCV000798182.12), dbSNP rs149209714, ClinGen allele CA10300510.

ClinVar aggregate classification (germline): Conflicting classifications of pathogenicity. Review status: criteria provided, conflicting classifications (1 of 4 stars). 3 submissions from 3 submitters: Uncertain significance (1); Likely benign (1). 1 of the submissions does not count toward it. Last evaluated 2026-01-26.

Conditions:
ALG12-related disorder. Also called: ALG12-related condition.
ALG12-congenital disorder of glycosylation (CDG1G). Also called: Congenital disorder of glycosylation, type Ig; ALG12-CDG; CDG Ig. Identifiers: Orphanet 79324, MedGen C2931001, MONDO:0011783, OMIM 607143.
Inborn genetic diseases. Identifiers: MedGen C0950123, MeSH D030342.

Allele frequency attached by ClinVar (database versions not stated): gnomAD exomes 0.00006 and 0.00012; ExAC 0.00013; 1000 Genomes Project 30x 0.00031; ESP Exome Variant Server 0.00038; 1000 Genomes Project 0.00040; TOPMed 0.00050; gnomAD 0.00059 and 0.00061.
gnomAD v4.1: 181 of 1,614,152 alleles (0.011%); highest among the groups gnomAD compares: African/African-American, 0.22%; 1 homozygote.

Submissions (3):

Labcorp Genetics (formerly Invitae), Labcorp
Classification: Likely benign for ALG12-congenital disorder of glycosylation. Last evaluated: 2026-01-26. Review status: criteria provided, single submitter. Criteria: Invitae Variant Classification Sherloc (09022015). Collection method: clinical testing. Allele origin: germline.

Ambry Genetics
Classification: Uncertain significance for Inborn genetic diseases. Last evaluated: 2021-05-04. Review status: criteria provided, single submitter. Criteria: Ambry Variant Classification Scheme 2023. Collection method: clinical testing. Allele origin: germline.

PreventionGenetics, part of Exact Sciences
Classification: Likely benign for ALG12-related condition. Last evaluated: 2023-06-19. Review status: no assertion criteria provided. Collection method: clinical testing. Allele origin: germline. Not counted in ClinVar's aggregate classification.
Comment: This variant is classified as likely benign based on ACMG/AMP sequence variant interpretation guidelines (Richards et al. 2015 PMID: 25741868, with internal and published modifications).